The following is an entry in ClinVar:

ClinVar aggregate classification (germline): Uncertain significance (1 of 4 stars; one submission).

Submission:

Labcorp Genetics (formerly Invitae), Labcorp
Classification: Uncertain significance. Last evaluated: 2025-01-27. Review status: criteria provided, single submitter. Criteria: Invitae Variant Classification Sherloc (09022015). Collection method: clinical testing. Allele origin: germline.
Comment: This sequence change replaces glutamine, which is neutral and polar, with arginine, which is basic and polar, at codon 231 of the COL9A2 protein (p.Gln231Arg). This variant is not present in population databases (gnomAD no frequency). This variant has not been reported in the literature in individuals affected with COL9A2-related conditions. Invitae Evidence Modeling of protein sequence and biophysical properties (such as structural, functional, and spatial information, amino acid conservation, physicochemical variation, residue mobility, and thermodynamic stability) indicates that this missense variant is not expected to disrupt COL9A2 protein function with a negative predictive value of 95%. In summary, the available evidence is currently insufficient to determine the role of this variant in disease. Therefore, it has been classified as a Variant of Uncertain Significance.

NM_001852.4(COL9A2):c.692A>G (p.Gln231Arg)

Gene: COL9A2 (collagen type IX alpha 2 chain; minus strand). Cytogenetic location: 1p34.2.
Variant type: single nucleotide variant.
Coding change: c.692A>G on transcript NM_001852.4 (MANE Select); coding-DNA position 692, A replaced by G.
Protein change: p.Gln231Arg; replaces glutamine 231 with arginine.
Molecular consequence: missense variant.
Genome position (GRCh38, 1-based): chr1:40,310,310, T>C on the plus strand (A>G on the coding strand, the complement: COL9A2 is on the minus strand). VCF-style: chr1-40310310-T-C. GRCh37 (hg19) VCF-style: chr1-40775982-T-C.
Other names: short protein forms Q231R.
Identifiers: ClinVar variation 3633537 (VCV003633537.2).